The following is an entry in ClinVar:

ClinVar aggregate classification (germline): Likely benign. Review status: criteria provided, multiple submitters, no conflicts (2 of 4 stars). 3 submissions from 3 submitters: Likely benign (3). Last evaluated 2025-11-21.

Conditions:
Familial thoracic aortic aneurysm and aortic dissection (TAAD). Also called: Thoracic aortic aneurysms and dissections. Identifiers: Orphanet 91387, MedGen C4707243, MONDO:0019625.
Aortic aneurysm, familial thoracic 4 (AAT4). Also called: AORTIC ANEURYSM/AORTIC DISSECTION AND PATENT DUCTUS ARTERIOSUS. Identifiers: MedGen C1851504, MONDO:0007568, OMIM 132900.

Allele frequency attached by ClinVar (database versions not stated): gnomAD 0.00001; gnomAD exomes 0.00001; ExAC 0.00002.
gnomAD v4.1: 5 of 1,613,306 alleles (0.00031%); highest among the groups gnomAD compares: Admixed American, 0.0083%; no homozygotes.

Submissions (3):

Labcorp Genetics (formerly Invitae), Labcorp
Classification: Likely benign for Aortic aneurysm, familial thoracic 4. Last evaluated: 2025-11-21. Review status: criteria provided, single submitter. Criteria: Invitae Variant Classification Sherloc (09022015). Collection method: clinical testing. Allele origin: germline.

Ambry Genetics
Classification: Likely benign for Familial thoracic aortic aneurysm and aortic dissection. Last evaluated: 2024-11-18. Review status: criteria provided, single submitter. Criteria: Ambry Variant Classification Scheme 2023. Collection method: clinical testing. Allele origin: germline.

All of Us Research Program, National Institutes of Health
Classification: Likely benign for Familial thoracic aortic aneurysm and aortic dissection. Last evaluated: 2023-12-13. Review status: criteria provided, single submitter. Criteria: ACMG Guidelines, 2015. Collection method: clinical testing. Allele origin: germline. Inheritance: Autosomal dominant inheritance. Observed: 1 variant allele, 1 heterozygote.
Comment: This study involves interpretation of variants in research participants for the purpose of population health screening. Participant phenotype was not available at the time of variant classification. Additional details can be found in publication PMID: 35346344, PMCID: PMC8962531

NM_002474.3(MYH11):c.1044G>A (p.Lys348=)

Gene: MYH11 (myosin heavy chain 11; minus strand). Cytogenetic location: 16p13.11.
Variant type: single nucleotide variant.
Coding change: c.1044G>A on transcript NM_002474.3 (MANE Select); coding-DNA position 1044, G replaced by A.
Protein change: p.Lys348=; no amino-acid change (lysine 348 retained).
Molecular consequence: synonymous variant.
Genome position (GRCh38, 1-based): chr16:15,763,881, C>T on the plus strand (G>A on the coding strand, the complement: MYH11 is on the minus strand). VCF-style: chr16-15763881-C-T. GRCh37 (hg19) VCF-style: chr16-15857738-C-T.
Other names: c.1065G>A, p.Lys355= (NM_001040113.2, NM_001040114.2); c.1044G>A, p.Lys348= (NM_022844.3); c.1044G>A (NM_002474.2).
Identifiers: ClinVar variation 2885315 (VCV002885315.5), dbSNP rs750163719, ClinGen allele CA7922741.